The following is an entry in ClinVar:

NM_031935.3(HMCN1):c.8650G>A (p.Val2884Met)

Gene: HMCN1 (hemicentin 1; plus strand). Cytogenetic location: 1q31.1.
Variant type: single nucleotide variant.
Coding change: c.8650G>A on transcript NM_031935.3 (MANE Select); coding-DNA position 8650, G replaced by A.
Protein change: p.Val2884Met; replaces valine 2884 with methionine.
Molecular consequence: missense variant.
Genome position (GRCh38, 1-based): chr1:186,081,257, G>A. VCF-style: chr1-186081257-G-A. GRCh37 (hg19) VCF-style: chr1-186050389-G-A.
Other names: short protein forms V2884M.
Identifiers: ClinVar variation 1387537 (VCV001387537.6), dbSNP rs919412657, ClinGen allele CA33472894.

ClinVar aggregate classification (germline): Uncertain significance (1 of 4 stars; one submission).

Allele frequency attached by ClinVar (database versions not stated): TOPMed 0.00002; gnomAD 0.00002.
gnomAD v4.1: 11 of 1,613,514 alleles (0.00068%); highest among the groups gnomAD compares: East Asian, 0.0022%; no homozygotes.

Submission:

Labcorp Genetics (formerly Invitae), Labcorp
Classification: Uncertain significance. Last evaluated: 2022-06-13. Review status: criteria provided, single submitter. Criteria: Invitae Variant Classification Sherloc (09022015). Collection method: clinical testing. Allele origin: germline.
Comment: This sequence change replaces valine, which is neutral and non-polar, with methionine, which is neutral and non-polar, at codon 2884 of the HMCN1 protein (p.Val2884Met). This variant is not present in population databases (gnomAD no frequency). This variant has not been reported in the literature in individuals affected with HMCN1-related conditions. Algorithms developed to predict the effect of missense changes on protein structure and function are either unavailable or do not agree on the potential impact of this missense change (SIFT: "Deleterious"; PolyPhen-2: "Probably Damaging"; Align-GVGD: "Class C0"). In summary, the available evidence is currently insufficient to determine the role of this variant in disease. Therefore, it has been classified as a Variant of Uncertain Significance.